The following is an entry in ClinVar:

ClinVar aggregate classification (germline): Uncertain significance (1 of 4 stars; one submission).

Conditions:
Inborn genetic diseases. Identifiers: MedGen C0950123, MeSH D030342.

Submission:

Ambry Genetics
Classification: Uncertain significance for Inborn genetic diseases. Last evaluated: 2025-02-16. Review status: criteria provided, single submitter. Criteria: Ambry Variant Classification Scheme 2023. Collection method: clinical testing. Allele origin: germline.
Comment: The p.V332M variant (also known as c.994G>A), located in coding exon 6 of the G6PC3 gene, results from a G to A substitution at nucleotide position 994. The valine at codon 332 is replaced by methionine, an amino acid with highly similar properties. This amino acid position is conserved. In addition, the in silico prediction for this alteration is inconclusive. Based on the available evidence, the clinical significance of this variant remains unclear.

NM_138387.4(G6PC3):c.994G>A (p.Val332Met)

Gene: G6PC3 (glucose-6-phosphatase catalytic subunit 3; plus strand). Cytogenetic location: 17q21.31.
Variant type: single nucleotide variant.
Coding change: c.994G>A on transcript NM_138387.4 (MANE Select); coding-DNA position 994, G replaced by A.
Protein change: p.Val332Met; replaces valine 332 with methionine.
Molecular consequence: missense variant. On other transcripts: 3 prime UTR variant (1).
Genome position (GRCh38, 1-based): chr17:44,075,996, G>A. VCF-style: chr17-44075996-G-A. GRCh37 (hg19) VCF-style: chr17-42153364-G-A.
Other names: c.*287G>A (NM_001319945.2); c.649G>A, p.Val217Met (NM_001384165.1, NM_001384166.1, NM_001384167.1 and 1 more transcripts); short protein forms V217M, V332M.
Identifiers: ClinVar variation 3852372 (VCV003852372.1).
Genomic context (GRCh38, chr17:44,075,996, plus strand): 5'-TTCAATTTCCTCAAGTACACCCTCTGGCCATGCCTAGTCCTGGCCCTCGTGCCCTGGGCA[G>A]TGCACATGTTCAGTGCCCAGGAAGCACCGCCCATCCACTCTTCCTGACTTCTTGTGTGCC-3'
Protein context (NP_612396.1, residues 322-342): CLVLALVPWA[Val332Met]HMFSAQEAPP